The following is an entry in ClinVar:

ClinVar aggregate classification (germline): Benign/Likely benign. Review status: criteria provided, multiple submitters, no conflicts (2 of 4 stars). 5 submissions from 5 submitters: Benign (3); Likely benign (1). 1 of the submissions does not count toward it. Last evaluated 2026-02-02.

Conditions:
IL6ST-related disorder. Also called: IL6ST-related condition.

Allele frequency attached by ClinVar (database versions not stated): gnomAD exomes 0.00808 and 0.02140; 1000 Genomes Project 0.09345; TOPMed 0.09642; ExAC 0.02647; gnomAD 0.08566 and 0.09183; ESP Exome Variant Server 0.09603; 1000 Genomes Project 30x 0.09838.
gnomAD v4.1: 25,479 of 1,612,922 alleles (1.6%); highest among the groups gnomAD compares: African/African-American, 30%; 3,480 homozygotes.

Submissions (5):

Labcorp Genetics (formerly Invitae), Labcorp
Classification: Benign. Last evaluated: 2026-02-02. Review status: criteria provided, single submitter. Criteria: Invitae Variant Classification Sherloc (09022015). Collection method: clinical testing. Allele origin: germline.

Women's Health and Genetics/Laboratory Corporation of America, LabCorp
Classification: Likely benign. Last evaluated: 2026-01-21. Review status: criteria provided, single submitter. Criteria: LabCorp Variant Classification Summary - May 2015. Collection method: clinical testing. Allele origin: germline.

Mayo Clinic Laboratories, Mayo Clinic
Classification: Benign. Last evaluated: 2024-06-15. Review status: criteria provided, single submitter. Criteria: ACMG Guidelines, 2015. Collection method: clinical testing. Allele origin: germline. Observed: 7 variant alleles.

Breakthrough Genomics
Classification: Benign. Review status: criteria provided, single submitter. Criteria: ACMG Guidelines, 2015. Collection method: not provided. Allele origin: germline. Inheritance: Autosomal recessive inheritance. Affected: yes.

PreventionGenetics, part of Exact Sciences
Classification: Benign for IL6ST-related condition. Last evaluated: 2019-12-16. Review status: no assertion criteria provided. Collection method: clinical testing. Allele origin: germline. Not counted in ClinVar's aggregate classification.
Comment: This variant is classified as benign based on ACMG/AMP sequence variant interpretation guidelines (Richards et al. 2015 PMID: 25741868, with internal and published modifications).

NM_002184.4(IL6ST):c.1361T>C (p.Ile454Thr)

Gene: IL6ST (interleukin 6 cytokine family signal transducer; minus strand). Cytogenetic location: 5q11.2.
Variant type: single nucleotide variant.
Coding change: c.1361T>C on transcript NM_002184.4 (MANE Select); coding-DNA position 1361, T replaced by C.
Protein change: p.Ile454Thr; replaces isoleucine 454 with threonine.
Molecular consequence: missense variant. On other transcripts: 3 prime UTR variant (1), non-coding transcript variant (2), intron variant (1).
Genome position (GRCh38, 1-based): chr5:55,954,899, A>G on the plus strand (T>C on the coding strand, the complement: IL6ST is on the minus strand). VCF-style: chr5-55954899-A-G. GRCh37 (hg19) VCF-style: chr5-55250727-A-G.
Other names: p.Ile454Thr; c.1361T>C, p.Ile454Thr (NM_001364275.2); c.1151T>C, p.Ile384Thr (NM_001364276.2); c.494T>C, p.Ile165Thr (NM_001364277.2); c.458T>C, p.Ile153Thr (NM_001364278.2); c.365T>C, p.Ile122Thr (NM_001364279.2); c.*288T>C (NM_175767.3); c.1267+1126T>C (NM_001190981.2); and 1 more; short protein forms I122T, I153T, I165T, I384T, I454T.
Identifiers: ClinVar variation 1170115 (VCV001170115.14), dbSNP rs2228046, ClinGen allele CA3271442.